The following is an entry in ClinVar:

NM_001873.4(CPE):c.681T>C (p.Pro227=)

Gene: CPE (carboxypeptidase E; plus strand). Cytogenetic location: 4q32.3.
Variant type: single nucleotide variant.
Coding change: c.681T>C on transcript NM_001873.4 (MANE Select); coding-DNA position 681, T replaced by C.
Protein change: p.Pro227=; no amino-acid change (proline 227 retained).
Molecular consequence: synonymous variant.
Genome position (GRCh38, 1-based): chr4:165,482,250, T>C. VCF-style: chr4-165482250-T-C. GRCh37 (hg19) VCF-style: chr4-166403402-T-C.
Identifiers: ClinVar variation 3346875 (VCV003346875.1).

ClinVar aggregate classification (germline): Likely benign (0 of 4 stars; one submission).

Conditions:
CPE-related disorder. Also called: CPE-related condition.

gnomAD v4.1: 13 of 1,607,696 alleles (0.00081%); highest among the groups gnomAD compares: Non-Finnish European, 0.0011%; no homozygotes.

Submission:

PreventionGenetics, part of Exact Sciences
Classification: Likely benign for CPE-related condition. Last evaluated: 2024-05-17. Review status: no assertion criteria provided. Collection method: clinical testing. Allele origin: germline.
Comment: This variant is classified as likely benign based on ACMG/AMP sequence variant interpretation guidelines (Richards et al. 2015 PMID: 25741868, with internal and published modifications).